The following is an entry in ClinVar:

NM_000551.4(VHL):c.*5T>A

Genes: VHL (von Hippel-Lindau tumor suppressor; plus strand), LOC107303340 (3p25 von Hippel-Lindau tumor suppressor, E3 ubiquitin protein ligase Alu-mediated recombination region; plus strand). Cytogenetic location: 3p25.3.
Variant type: single nucleotide variant.
Coding change: c.*5T>A on transcript NM_000551.4 (MANE Select); 5 bases downstream of the stop codon, T replaced by A.
Molecular consequence: 3 prime UTR variant. On other transcripts: non-coding transcript variant (1).
Genome position (GRCh38, 1-based): chr3:10,149,970, T>A. VCF-style: chr3-10149970-T-A. GRCh37 (hg19) VCF-style: chr3-10191654-T-A.
Other names: c.*201T>A (NM_001354723.2); c.*5T>A (NM_198156.3).
Identifiers: ClinVar variation 4071164 (VCV004071164.1).

ClinVar aggregate classification (germline): Benign (1 of 4 stars; one submission).

Conditions:
Von Hippel-Lindau syndrome (VHLS). Also called: Von Hippel-Lindau; von Hippel–Lindau syndrome; VHL syndrome. Identifiers: Orphanet 892, MedGen C0019562, MONDO:0008667, OMIM 193300. Disease mechanism: loss of function.

Submission:

Myriad Genetics, Inc.
Classification: Benign for Von Hippel-Lindau syndrome. Last evaluated: 2025-06-13. Review status: criteria provided, single submitter. Criteria: Myriad Autosomal Dominant, Autosomal Recessive and X-Linked Classification Criteria (2023). Collection method: clinical testing. Allele origin: unknown.
Comment: This variant is considered benign. This variant occurs in the non-coding 3' untranslated region of the gene, and is not expected to impact protein function.